The following is an entry in ClinVar:

ClinVar aggregate classification (germline): Benign (1 of 4 stars; one submission).

Allele frequency attached by ClinVar (database versions not stated): TOPMed 0.19233; gnomAD 0.20098 and 0.20440; 1000 Genomes Project 30x 0.20191; 1000 Genomes Project 0.20767.
gnomAD v4.1: 31,136 of 151,810 alleles (21%); highest among the groups gnomAD compares: East Asian, 40%; 3,664 homozygotes.

Submission:

GeneDx
Classification: Benign. Last evaluated: 2018-06-19. Review status: criteria provided, single submitter. Criteria: GeneDx Variant Classification (06012015). Collection method: clinical testing. Allele origin: germline. Affected: yes.
Comment: This variant is considered likely benign or benign based on one or more of the following criteria: it is a conservative change, it occurs at a poorly conserved position in the protein, it is predicted to be benign by multiple in silico algorithms, and/or has population frequency not consistent with disease.

NM_006514.4(SCN10A):c.1461+294T>C

Gene: SCN10A (sodium voltage-gated channel alpha subunit 10; minus strand). Cytogenetic location: 3p22.2.
Variant type: single nucleotide variant.
Coding change: c.1461+294T>C on transcript NM_006514.4 (MANE Select); 294 bases into the intron after coding-DNA position 1461, T replaced by C.
Molecular consequence: intron variant.
Genome position (GRCh38, 1-based): chr3:38,755,494, A>G on the plus strand (T>C on the coding strand, the complement: SCN10A is on the minus strand). VCF-style: chr3-38755494-A-G. GRCh37 (hg19) VCF-style: chr3-38796985-A-G.
Other names: c.1461+294T>C (NM_001293307.2, NM_001293306.2).
Identifiers: ClinVar variation 668846 (VCV000668846.1), dbSNP rs12630795, ClinGen allele CA11521863.